The following is an entry in ClinVar:

ClinVar aggregate classification (germline): Uncertain significance. Review status: criteria provided, multiple submitters, no conflicts (2 of 4 stars). 2 submissions from 2 submitters: Uncertain significance (2). Last evaluated 2026-01-23.

Conditions:
Brachyolmia-amelogenesis imperfecta syndrome. Also called: PLATYSPONDYLY WITH AMELOGENESIS IMPERFECTA; Tooth agenesis, selective, 6; Dental anomalies and short stature. Identifiers: Orphanet 2899, MedGen C1832594, MONDO:0011018, OMIM 601216. Disease mechanism: loss of function.
Inborn genetic diseases. Identifiers: MedGen C0950123, MeSH D030342.

gnomAD v4.1: 1 of 1,513,266 alleles (0.000066%); highest among the groups gnomAD compares: Non-Finnish European, 0.000089%; no homozygotes.

Submissions (2):

Labcorp Genetics (formerly Invitae), Labcorp
Classification: Uncertain significance for Brachyolmia-amelogenesis imperfecta syndrome. Last evaluated: 2026-01-23. Review status: criteria provided, single submitter. Criteria: Invitae Variant Classification Sherloc (09022015). Collection method: clinical testing. Allele origin: germline.
Comment: This sequence change replaces arginine, which is basic and polar, with histidine, which is basic and polar, at codon 1272 of the LTBP3 protein (p.Arg1272His). This variant is not present in population databases (gnomAD no frequency). This variant has not been reported in the literature in individuals affected with LTBP3-related conditions. ClinVar contains an entry for this variant (Variation ID: 4049860). An algorithm developed to predict the effect of missense changes on protein structure and function (PolyPhen-2) suggests that this variant is likely to be disruptive. In summary, the available evidence is currently insufficient to determine the role of this variant in disease. Therefore, it has been classified as a Variant of Uncertain Significance.

Ambry Genetics
Classification: Uncertain significance for Inborn genetic diseases. Last evaluated: 2025-03-25. Review status: criteria provided, single submitter. Criteria: Ambry Variant Classification Scheme 2023. Collection method: clinical testing. Allele origin: germline.
Comment: The p.R1272H variant (also known as c.3815G>A), located in coding exon 28 of the LTBP3 gene, results from a G to A substitution at nucleotide position 3815. The arginine at codon 1272 is replaced by histidine, an amino acid with highly similar properties. This amino acid position is conserved. In addition, the in silico prediction for this alteration is inconclusive. Based on the available evidence, the clinical significance of this variant remains unclear.

NM_001130144.3(LTBP3):c.3815G>A (p.Arg1272His)

Gene: LTBP3 (latent transforming growth factor beta binding protein 3; minus strand). Cytogenetic location: 11q13.1.
Variant type: single nucleotide variant.
Coding change: c.3815G>A on transcript NM_001130144.3 (MANE Select); coding-DNA position 3815, G replaced by A.
Protein change: p.Arg1272His; replaces arginine 1272 with histidine.
Molecular consequence: missense variant.
Genome position (GRCh38, 1-based): chr11:65,539,177, C>T on the plus strand (G>A on the coding strand, the complement: LTBP3 is on the minus strand). VCF-style: chr11-65539177-C-T. GRCh37 (hg19) VCF-style: chr11-65306648-C-T.
Other names: c.3323G>A, p.Arg1108His (NM_001164266.1); c.3674G>A, p.Arg1225His (NM_021070.4); short protein forms R1225H, R1272H, R1108H.
Identifiers: ClinVar variation 4049860 (VCV004049860.2).